The following is an entry in ClinVar:

NM_020806.5(GPHN):c.2071A>T (p.Lys691Ter)

Genes: GPHN (gephyrin; plus strand), LOC126861970 (MED14-independent group 3 enhancer GRCh37_chr14:67634697-67635896; plus strand). Cytogenetic location: 14q23.3.
Variant type: single nucleotide variant.
Coding change: c.2071A>T on transcript NM_020806.5 (MANE Select); coding-DNA position 2071, A replaced by T.
Protein change: p.Lys691Ter; replaces lysine 691 with a stop codon.
Molecular consequence: nonsense.
Genome position (GRCh38, 1-based): chr14:67,169,028, A>T. VCF-style: chr14-67169028-A-T. GRCh37 (hg19) VCF-style: chr14-67635745-A-T.
Other names: c.1972A>T, p.Lys658Ter (NM_001024218.2); c.2131A>T, p.Lys711Ter (NM_001377514.1); c.2101A>T, p.Lys701Ter (NM_001377515.1); c.2092A>T, p.Lys698Ter (NM_001377516.1); c.2044A>T, p.Lys682Ter (NM_001377517.1); c.2029A>T, p.Lys677Ter (NM_001377518.1); c.2011A>T, p.Lys671Ter (NM_001377519.1); short protein forms K658*, K671*, K677*, K682*, K691*, K698*, K701*, K711*.
Identifiers: ClinVar variation 1303963 (VCV001303963.2), dbSNP rs2140057087, ClinGen allele CA390122097.
Genomic context (GRCh38, chr14:67,169,028, plus strand): 5'-TTTGTTGTGCCTGCACTGAGGAAAATGCAGGGCATCTTGGATCCTCGGCCAACCATCATC[A>T]AAGCAAGGGTAATGCTTTCTAATGACCAGAAACCAAAATGGAAGCCTGGTAACAGTTAGG-3'

ClinVar aggregate classification (germline): Uncertain significance (1 of 4 stars; one submission).

Submission:

GeneDx
Classification: Uncertain significance. Last evaluated: 2019-03-25. Review status: criteria provided, single submitter. Criteria: GeneDx Variant Classification Process June 2021. Collection method: clinical testing. Allele origin: germline. Affected: yes.
Comment: Not observed in large population cohorts (Lek et al., 2016); Nonsense variant predicted to result in protein truncation or nonsense mediated decay in a gene for which loss-of-function is not a known mechanism of disease; Has not been previously published as pathogenic or benign to our knowledge